The following is an entry in ClinVar:

NM_021098.3(CACNA1H):c.3982C>T (p.Leu1328Phe)

Gene: CACNA1H (calcium voltage-gated channel subunit alpha1 H; plus strand). Cytogenetic location: 16p13.3.
Variant type: single nucleotide variant.
Coding change: c.3982C>T on transcript NM_021098.3 (MANE Select); coding-DNA position 3982, C replaced by T.
Protein change: p.Leu1328Phe; replaces leucine 1328 with phenylalanine.
Molecular consequence: missense variant.
Genome position (GRCh38, 1-based): chr16:1,210,595, C>T. VCF-style: chr16-1210595-C-T. GRCh37 (hg19) VCF-style: chr16-1260595-C-T.
Other names: c.3982C>T, p.Leu1328Phe (NM_001005407.2); short protein forms L1328F.
Identifiers: ClinVar variation 954515 (VCV000954515.11), dbSNP rs746834232, ClinGen allele CA7801069.

ClinVar aggregate classification (germline): Uncertain significance. Review status: criteria provided, multiple submitters, no conflicts (2 of 4 stars). 2 submissions from 2 submitters: Uncertain significance (2). Last evaluated 2025-05-05.

Conditions:
Inborn genetic diseases. Identifiers: MedGen C0950123, MeSH D030342.
Idiopathic generalized epilepsy. Also called: EIG; Generalised epilepsy. Identifiers: MedGen C0270850, MONDO:0005579, OMIM 600669.
Hyperaldosteronism, familial, type IV (HALD4). Also called: FH IV; ALDOSTERONISM, PRIMARY, AND HYPERTENSION. Identifiers: Orphanet 642671, MedGen C4310756, MONDO:0014875, OMIM 617027.

Allele frequency attached by ClinVar (database versions not stated): TOPMed below 0.00001; ExAC 0.00001; gnomAD 0.00001; gnomAD exomes 0.00002; 1000 Genomes Project 30x 0.00016.

Submissions (2):

Ambry Genetics
Classification: Uncertain significance for Inborn genetic diseases. Last evaluated: 2025-05-05. Review status: criteria provided, single submitter. Criteria: Ambry Variant Classification Scheme 2023. Collection method: clinical testing. Allele origin: germline.

Labcorp Genetics (formerly Invitae), Labcorp
Classification: Uncertain significance for Idiopathic generalized epilepsy; Hyperaldosteronism, familial, type IV. Last evaluated: 2024-10-17. Review status: criteria provided, single submitter. Criteria: Invitae Variant Classification Sherloc (09022015). Collection method: clinical testing. Allele origin: germline.
Comment: This sequence change replaces leucine, which is neutral and non-polar, with phenylalanine, which is neutral and non-polar, at codon 1328 of the CACNA1H protein (p.Leu1328Phe). This variant is present in population databases (rs746834232, gnomAD 0.006%). This variant has not been reported in the literature in individuals affected with CACNA1H-related conditions. ClinVar contains an entry for this variant (Variation ID: 954515). Invitae Evidence Modeling of protein sequence and biophysical properties (such as structural, functional, and spatial information, amino acid conservation, physicochemical variation, residue mobility, and thermodynamic stability) indicates that this missense variant is expected to disrupt CACNA1H protein function with a positive predictive value of 80%. In summary, the available evidence is currently insufficient to determine the role of this variant in disease. Therefore, it has been classified as a Variant of Uncertain Significance.